The following is an entry in ClinVar:

NM_024596.5(MCPH1):c.302C>G (p.Ser101Ter)

Gene: MCPH1 (microcephalin 1; plus strand). Cytogenetic location: 8p23.1.
Variant type: single nucleotide variant.
Coding change: c.302C>G on transcript NM_024596.5 (MANE Select); coding-DNA position 302, C replaced by G.
Protein change: p.Ser101Ter; replaces serine 101 with a stop codon.
Molecular consequence: nonsense. On other transcripts: non-coding transcript variant (1).
Genome position (GRCh38, 1-based): chr8:6,431,567, C>G. VCF-style: chr8-6431567-C-G. GRCh37 (hg19) VCF-style: chr8-6289088-C-G.
Other names: c.302C>G, p.Ser101Ter (NM_001172574.2, NM_001172575.2, NM_001322042.2 and 2 more transcripts); c.296C>G, p.Ser99Ter (NM_001322043.2); c.200C>G, p.Ser67Ter (NM_001322045.2); short protein forms S101*, S67*, S99*.
Identifiers: ClinVar variation 30642 (VCV000030642.7), dbSNP rs755862917, ClinGen allele CA4610162.

ClinVar aggregate classification (germline): Pathogenic. Review status: criteria provided, multiple submitters, no conflicts (2 of 4 stars). 3 submissions from 3 submitters: Pathogenic (2). 1 of the submissions does not count toward it. Last evaluated 2024-11-13.

Conditions:
Microcephaly 1, primary, autosomal recessive (MCPH1). Also called: PREMATURE CHROMOSOME CONDENSATION SYNDROME; PCC SYNDROME; PREMATURE CHROMOSOME CONDENSATION WITH MICROCEPHALY AND MENTAL RETARDATION. Identifiers: Orphanet 2512, MedGen C1855081, MONDO:0009617, OMIM 251200.

Allele frequency attached by ClinVar (database versions not stated): TOPMed 0.00002; gnomAD exomes 0.00001; ExAC 0.00001.
gnomAD v4.1: 3 of 1,610,694 alleles (0.00019%); highest among the groups gnomAD compares: Admixed American, 0.0033%; no homozygotes.

Submissions (3):

Myriad Genetics, Inc.
Classification: Pathogenic for Microcephaly 1, primary, autosomal recessive. Last evaluated: 2024-11-13. Review status: criteria provided, single submitter. Criteria: Myriad Autosomal Dominant, Autosomal Recessive and X-Linked Classification Criteria (2023). Collection method: clinical testing. Allele origin: unknown.
Comment: NM_024596.3(MCPH1):c.302C>G(S101*) is expected to be pathogenic in the context of primary microcephaly, MCPH1-related. This variant is predicted to lead to an abnormal or absent protein product due to the creation of a premature termination codon in MCPH1, a gene where loss-of-function variants are known to be pathogenic. Please note: this variant was assessed in the context of healthy population screening.

Labcorp Genetics (formerly Invitae), Labcorp
Classification: Pathogenic. Last evaluated: 2024-01-08. Review status: criteria provided, single submitter. Criteria: Invitae Variant Classification Sherloc (09022015). Collection method: clinical testing. Allele origin: germline.
Comment: This sequence change creates a premature translational stop signal (p.Ser101*) in the MCPH1 gene. It is expected to result in an absent or disrupted protein product. Loss-of-function variants in MCPH1 are known to be pathogenic (PMID: 20978018). This variant is present in population databases (rs755862917, gnomAD 0.006%). This premature translational stop signal has been observed in individual(s) with primary autosomal recessive microcephaly and premature chromosome condensation syndrome (PMID: 20101680). ClinVar contains an entry for this variant (Variation ID: 30642). For these reasons, this variant has been classified as Pathogenic.

OMIM
Classification: Pathogenic for MICROCEPHALY 1, PRIMARY, AUTOSOMAL RECESSIVE. Last evaluated: 2010-02-01. Review status: no assertion criteria provided. Collection method: literature only. Allele origin: germline. Not counted in ClinVar's aggregate classification.

Literature cited by the submitters: PubMed 20978018 (cited by Labcorp Genetics (formerly Invitae), Labcorp); PubMed 20101680 (cited by Labcorp Genetics (formerly Invitae), Labcorp and OMIM); PubMed 7693575 (cited by OMIM).